The following is an entry in ClinVar:

NM_000059.4(BRCA2):c.941A>T (p.Lys314Ile)

Gene: BRCA2 (BRCA2 DNA repair associated; plus strand). Cytogenetic location: 13q13.1.
Variant type: single nucleotide variant.
Coding change: c.941A>T on transcript NM_000059.4 (MANE Select); coding-DNA position 941, A replaced by T.
Protein change: p.Lys314Ile; replaces lysine 314 with isoleucine.
Molecular consequence: missense variant.
Genome position (GRCh38, 1-based): chr13:32,332,419, A>T. VCF-style: chr13-32332419-A-T. GRCh37 (hg19) VCF-style: chr13-32906556-A-T.
Other names: c.941A>T, p.Lys314Ile (NM_001406719.1, NM_001406720.1, NM_001406721.1); short protein forms K314I.
Identifiers: ClinVar variation 2428690 (VCV002428690.5), dbSNP rs2137466066, ClinGen allele CA387760812.

ClinVar aggregate classification (germline): Conflicting classifications of pathogenicity. Review status: criteria provided, conflicting classifications (1 of 4 stars). 2 submissions from 2 submitters: Uncertain significance (1); Likely benign (1). Last evaluated 2023-03-23.

Conditions:
Hereditary cancer-predisposing syndrome. Also called: Neoplastic Syndromes, Hereditary; Hereditary neoplastic syndrome; Hereditary Cancer Syndrome; Tumor predisposition. Identifiers: Orphanet 140162, MedGen C0027672, MeSH D009386, MONDO:0015356.

Submissions (2):

University of Washington Department of Laboratory Medicine, University of Washington
Classification: Likely benign for Hereditary cancer-predisposing syndrome. Last evaluated: 2023-03-23. Review status: criteria provided, single submitter. Criteria: Dines et al. (Genet Med. 2020). Collection method: curation. Allele origin: germline.
Comment: Missense variant in a coldspot region where missense variants are very unlikely to be pathogenic (PMID:31911673).

BRCA2 exon 10 coldspot. Reclassification based on statistical prior probability.

ARUP Laboratories, Molecular Genetics and Genomics, ARUP Laboratories
Classification: Uncertain significance. Last evaluated: 2022-07-08. Review status: criteria provided, single submitter. Criteria: ARUP Molecular Germline Variant Investigation Process 2021. Collection method: clinical testing. Allele origin: germline.
Comment: The BRCA2 c.941A>T, p.Lys314Ile variant, to our knowledge, is not reported in the medical literature or gene specific databases. This variant is also absent from the Genome Aggregation Database, indicating it is not a common polymorphism. The lysine at codon 314 is moderately conserved, and computational analyses predict that this variant is neutral (REVEL: 0.13). Due to limited information, the clinical significance of this variant is uncertain at this time.